The following is an entry in ClinVar:

NM_152641.4(ARID2):c.3209C>T (p.Pro1070Leu)

Gene: ARID2 (AT-rich interaction domain 2; plus strand). Cytogenetic location: 12q12.
Variant type: single nucleotide variant.
Coding change: c.3209C>T on transcript NM_152641.4 (MANE Select); coding-DNA position 3209, C replaced by T.
Protein change: p.Pro1070Leu; replaces proline 1070 with leucine.
Molecular consequence: missense variant.
Genome position (GRCh38, 1-based): chr12:45,851,332, C>T. VCF-style: chr12-45851332-C-T. GRCh37 (hg19) VCF-style: chr12-46245115-C-T.
Other names: c.3209C>T, p.Pro1070Leu (NM_001347839.2); short protein forms P1070L.
Identifiers: ClinVar variation 3365659 (VCV003365659.1).
Genomic context (GRCh38, chr12:45,851,332, plus strand): 5'-GTCAGCCTGCCTCTGGTGAGTCGAGTCTGATTAAACAGCTTCTGCTTCCGAAACGTGGTC[C>T]TTCAACACCAGGTGGTAAGCTTATTCTCCCAGCTCCACAGATTCCTCCCCCTAATAATGC-3'
Protein context (NP_689854.2, residues 1060-1080): IKQLLLPKRG[Pro1070Leu]STPGGKLILP

ClinVar aggregate classification (germline): Uncertain significance (1 of 4 stars; one submission).

gnomAD v4.1: 1 of 1,614,114 alleles (0.000062%); highest among the groups gnomAD compares: Non-Finnish European, 0.000085%; no homozygotes.

Submission:

GeneDx
Classification: Uncertain significance. Last evaluated: 2023-12-18. Review status: criteria provided, single submitter. Criteria: GeneDx Variant Classification Process June 2021. Collection method: clinical testing. Allele origin: germline. Affected: yes.
Comment: Not observed at significant frequency in large population cohorts (gnomAD); In silico analysis supports that this missense variant has a deleterious effect on protein structure/function; Has not been previously published as pathogenic or benign to our knowledge